The following is an entry in ClinVar:

ClinVar aggregate classification (germline): Uncertain significance. Review status: criteria provided, multiple submitters, no conflicts (2 of 4 stars). 2 submissions from 2 submitters: Uncertain significance (2). Last evaluated 2025-11-13.

Allele frequency attached by ClinVar (database versions not stated): TOPMed below 0.00001; gnomAD 0.00001; gnomAD exomes 0.00001; 1000 Genomes Project 30x 0.00016.
gnomAD v4.1: 8 of 1,552,114 alleles (0.00052%); highest among the groups gnomAD compares: Non-Finnish European, 0.00069%; no homozygotes.

Submissions (2):

Ambry Genetics
Classification: Uncertain significance. Last evaluated: 2025-11-13. Review status: criteria provided, single submitter. Criteria: Ambry Variant Classification Scheme 2023. Collection method: clinical testing. Allele origin: germline.

Labcorp Genetics (formerly Invitae), Labcorp
Classification: Uncertain significance. Last evaluated: 2022-07-05. Review status: criteria provided, single submitter. Criteria: Invitae Variant Classification Sherloc (09022015). Collection method: clinical testing. Allele origin: germline.
Comment: This sequence change replaces arginine, which is basic and polar, with lysine, which is basic and polar, at codon 56 of the UNC119 protein (p.Arg56Lys). In summary, the available evidence is currently insufficient to determine the role of this variant in disease. Therefore, it has been classified as a Variant of Uncertain Significance. Algorithms developed to predict the effect of missense changes on protein structure and function are either unavailable or do not agree on the potential impact of this missense change (SIFT: "Not Available"; PolyPhen-2: "Benign"; Align-GVGD: "Not Available"). ClinVar contains an entry for this variant (Variation ID: 1360626). This variant has not been reported in the literature in individuals affected with UNC119-related conditions. The frequency data for this variant in the population databases is considered unreliable, as metrics indicate poor data quality at this position in the gnomAD database.

NM_005148.4(UNC119):c.167G>A (p.Arg56Lys)

Genes: UNC119 (unc-119 lipid binding chaperone; minus strand), LOC130060555 (ATAC-STARR-seq lymphoblastoid silent region 8343; plus strand). Cytogenetic location: 17q11.2.
Variant type: single nucleotide variant.
Coding change: c.167G>A on transcript NM_005148.4 (MANE Select); coding-DNA position 167, G replaced by A.
Protein change: p.Arg56Lys; replaces arginine 56 with lysine.
Molecular consequence: missense variant. On other transcripts: 5 prime UTR variant (1).
Genome position (GRCh38, 1-based): chr17:28,552,391, C>T on the plus strand (G>A on the coding strand, the complement: UNC119 is on the minus strand). VCF-style: chr17-28552391-C-T. GRCh37 (hg19) VCF-style: chr17-26879409-C-T.
Other names: c.-147G>A (NM_001330166.2); c.167G>A, p.Arg56Lys (NM_054035.2); c.167G>A (NM_005148.3); short protein forms R56K.
Identifiers: ClinVar variation 1360626 (VCV001360626.7), dbSNP rs1476926731, ClinGen allele CA398335819.